The following is an entry in ClinVar:

ClinVar aggregate classification (germline): Benign. Review status: criteria provided, multiple submitters, no conflicts (2 of 4 stars). 2 submissions from 2 submitters: Benign (2). Last evaluated 2018-01-13.

Conditions:
Retinitis pigmentosa (RP). Identifiers: Orphanet 791, MedGen C0035334, MeSH D012174, MONDO:0019200, OMIM 268000. Inheritance: Autosomal dominant, autosomal recessive and X linked inheritance.

Allele frequency attached by ClinVar (database versions not stated): TOPMed 0.63503; gnomAD 0.64324 and 0.64343; 1000 Genomes Project 30x 0.64710; 1000 Genomes Project 0.64756.

Submissions (2):

Illumina Laboratory Services, Illumina
Classification: Benign for Retinitis pigmentosa. Last evaluated: 2018-01-13. Review status: criteria provided, single submitter. Criteria: ICSL Variant Classification Criteria 13 December 2019. Collection method: clinical testing. Allele origin: germline.
Comment: This variant was observed in the ICSL laboratory as part of a predisposition screen in an ostensibly healthy population. It had not been previously curated by ICSL or reported in the Human Gene Mutation Database (HGMD: prior to June 1st, 2018), and was therefore a candidate for classification through an automated scoring system. Utilizing variant allele frequency, disease prevalence and penetrance estimates, and inheritance mode, an automated score was calculated to assess if this variant is too frequent to cause the disease. Based on the score and internal cut-off values, a variant classified as benign is not then subjected to further curation. The score for this variant resulted in a classification of benign for this disease.

Breakthrough Genomics
Classification: Benign. Review status: criteria provided, single submitter. Criteria: ACMG Guidelines, 2015. Collection method: not provided. Allele origin: germline. Inheritance: Autosomal recessive inheritance. Affected: yes.

NM_016247.4(IMPG2):c.*4121T>G

Gene: IMPG2 (interphotoreceptor matrix proteoglycan 2; minus strand). Cytogenetic location: 3q12.3.
Variant type: single nucleotide variant.
Coding change: c.*4121T>G on transcript NM_016247.4 (MANE Select); 4121 bases downstream of the stop codon, T replaced by G.
Molecular consequence: 3 prime UTR variant.
Genome position (GRCh38, 1-based): chr3:101,222,848, A>C on the plus strand (T>G on the coding strand, the complement: IMPG2 is on the minus strand). VCF-style: chr3-101222848-A-C. GRCh37 (hg19) VCF-style: chr3-100941692-A-C.
Identifiers: ClinVar variation 342272 (VCV000342272.6), dbSNP rs813449, ClinGen allele CA10616695.